The following is an entry in ClinVar:

NM_002439.5(MSH3):c.2260A>G (p.Ile754Val)

Gene: MSH3 (mutS homolog 3; plus strand). Cytogenetic location: 5q14.1.
Variant type: single nucleotide variant.
Coding change: c.2260A>G on transcript NM_002439.5 (MANE Select); coding-DNA position 2260, A replaced by G.
Protein change: p.Ile754Val; replaces isoleucine 754 with valine.
Molecular consequence: missense variant.
Genome position (GRCh38, 1-based): chr5:80,775,700, A>G. VCF-style: chr5-80775700-A-G. GRCh37 (hg19) VCF-style: chr5-80071519-A-G.
Other names: short protein forms I754V.
Identifiers: ClinVar variation 1043328 (VCV001043328.12), dbSNP rs376208514, ClinGen allele CA121325810.

ClinVar aggregate classification (germline): Uncertain significance. Review status: criteria provided, multiple submitters, no conflicts (2 of 4 stars). 2 submissions from 2 submitters: Uncertain significance (2). Last evaluated 2025-08-29.

Conditions:
Hereditary cancer-predisposing syndrome. Also called: Hereditary Cancer Syndrome; Tumor predisposition; Hereditary neoplastic syndrome; Neoplastic Syndromes, Hereditary. Identifiers: Orphanet 140162, MedGen C0027672, MeSH D009386, MONDO:0015356.

Allele frequency attached by ClinVar (database versions not stated): gnomAD exomes below 0.00001; TOPMed below 0.00001; ESP Exome Variant Server 0.00008.
gnomAD v4.1: 5 of 1,537,350 alleles (0.00033%); highest among the groups gnomAD compares: Non-Finnish European, 0.00045%; no homozygotes.

Submissions (2):

Labcorp Genetics (formerly Invitae), Labcorp
Classification: Uncertain significance. Last evaluated: 2025-08-29. Review status: criteria provided, single submitter. Criteria: Invitae Variant Classification Sherloc (09022015). Collection method: clinical testing. Allele origin: germline.
Comment: This sequence change replaces isoleucine, which is neutral and non-polar, with valine, which is neutral and non-polar, at codon 754 of the MSH3 protein (p.Ile754Val). This variant is not present in population databases (gnomAD no frequency). This variant has not been reported in the literature in individuals affected with MSH3-related conditions. ClinVar contains an entry for this variant (Variation ID: 1043328). An algorithm developed to predict the effect of missense changes on protein structure and function (PolyPhen-2) suggests that this variant is likely to be tolerated. In summary, the available evidence is currently insufficient to determine the role of this variant in disease. Therefore, it has been classified as a Variant of Uncertain Significance.

Ambry Genetics
Classification: Uncertain significance for Hereditary cancer-predisposing syndrome. Last evaluated: 2024-09-30. Review status: criteria provided, single submitter. Criteria: Ambry Variant Classification Scheme 2023. Collection method: clinical testing. Allele origin: germline.
Comment: The p.I754V variant (also known as c.2260A>G), located in coding exon 16 of the MSH3 gene, results from an A to G substitution at nucleotide position 2260. The isoleucine at codon 754 is replaced by valine, an amino acid with highly similar properties. This amino acid position is conserved. In addition, this alteration is predicted to be tolerated by in silico analysis. Since supporting evidence is limited at this time, the clinical significance of this alteration remains unclear.